The following is an entry in ClinVar:

ClinVar aggregate classification (germline): Uncertain significance (0 of 4 stars; one submission).

Conditions:
Atrial septal defect 4 (ASD4). Identifiers: Orphanet 1478, MedGen C1969657, MONDO:0012654, OMIM 611363.

Submission:

Laboratory of Genomics, Instituto Nacional de Cardiología Ignacio Chávez
Classification: Uncertain significance for Atrial septal defect 4. Review status: no assertion criteria provided. Collection method: not provided. Allele origin: unknown.
ClinVar note: Converted during submission from unknown to Uncertain significance.

NC_000007.14:g.35202418T>A

Gene: TBX20 (T-box transcription factor 20; minus strand). Cytogenetic location: 7p14.2.
Variant type: single nucleotide variant.
Genome position: GRCh38 VCF-style: chr7-35202418-T-A. GRCh37 (hg19) VCF-style: chr7-35242030-T-A.
Identifiers: ClinVar variation 132827 (VCV000132827.2), dbSNP rs483353000, ClinGen allele CA156244.